The following is an entry in ClinVar:

ClinVar aggregate classification (germline): Uncertain significance (1 of 4 stars; one submission).

Conditions:
Developmental and epileptic encephalopathy, 9 (DEE9). Also called: JUBERG-HELLMAN SYNDROME; PCDH19-Related X-Linked Female-Limited Epilepsy with Mental Retardation; Early infantile epileptic encephalopathy 9; EPILEPSY, FEMALE-RESTRICTED, WITH MENTAL RETARDATION. Identifiers: Orphanet 101039, Orphanet 2076, MedGen C1848137, MONDO:0010246, OMIM 300088. Disease mechanism: loss of function.

Submission:

Labcorp Genetics (formerly Invitae), Labcorp
Classification: Uncertain significance for Developmental and epileptic encephalopathy, 9. Last evaluated: 2025-08-04. Review status: criteria provided, single submitter. Criteria: Invitae Variant Classification Sherloc (09022015). Collection method: clinical testing. Allele origin: germline.
Comment: This sequence change replaces aspartic acid, which is acidic and polar, with glycine, which is neutral and non-polar, at codon 1021 of the PCDH19 protein (p.Asp1021Gly). This variant is not present in population databases (gnomAD no frequency). This missense change has been observed in individual(s) with PCDH19-related conditions (PMID: 35571021). ClinVar contains an entry for this variant (Variation ID: 2856323). Invitae Evidence Modeling of protein sequence and biophysical properties (such as structural, functional, and spatial information, amino acid conservation, physicochemical variation, residue mobility, and thermodynamic stability) has been performed for this missense variant. However, the output from this modeling did not meet the statistical confidence thresholds required to predict the impact of this variant on PCDH19 protein function. In summary, the available evidence is currently insufficient to determine the role of this variant in disease. Therefore, it has been classified as a Variant of Uncertain Significance.

Literature cited by the submitters: PubMed 35571021.

NM_001184880.2(PCDH19):c.3062A>G (p.Asp1021Gly)

Gene: PCDH19 (protocadherin 19; minus strand). Cytogenetic location: Xq22.1.
Variant type: single nucleotide variant.
Coding change: c.3062A>G on transcript NM_001184880.2 (MANE Select); coding-DNA position 3062, A replaced by G.
Protein change: p.Asp1021Gly; replaces aspartic acid 1021 with glycine.
Molecular consequence: missense variant.
Genome position (GRCh38, 1-based): chrX:100,296,662, T>C on the plus strand (A>G on the coding strand, the complement: PCDH19 is on the minus strand). VCF-style: chrX-100296662-T-C. GRCh37 (hg19) VCF-style: chrX-99551660-T-C.
Other names: c.2921A>G, p.Asp974Gly (NM_001105243.2); c.2918A>G, p.Asp973Gly (NM_020766.3); short protein forms D974G, D1021G, D973G.
Identifiers: ClinVar variation 2856323 (VCV002856323.3), dbSNP rs2520447108, ClinGen allele CA414000534.